The following is an entry in ClinVar:

ClinVar aggregate classification (germline): Uncertain significance (1 of 4 stars; one submission).

Conditions:
Hereditary cancer-predisposing syndrome. Also called: Neoplastic Syndromes, Hereditary; Tumor predisposition; Hereditary Cancer Syndrome; Hereditary neoplastic syndrome. Identifiers: Orphanet 140162, MedGen C0027672, MeSH D009386, MONDO:0015356.

Submission:

Ambry Genetics
Classification: Uncertain significance for Hereditary cancer-predisposing syndrome. Last evaluated: 2026-09-11. Review status: criteria provided, single submitter. Criteria: Ambry Variant Classification Scheme 2023. Collection method: clinical testing. Allele origin: germline.
Comment: The p.M1067I variant (also known as c.3201G>C), located in coding exon 21 of the TSC1 gene, results from a G to C substitution at nucleotide position 3201. The methionine at codon 1067 is replaced by isoleucine, an amino acid with highly similar properties. This amino acid position is conserved. In addition, this alteration is predicted to be tolerated by in silico analysis. Based on the available evidence, the clinical significance of this variant remains unclear.

NM_000368.5(TSC1):c.3201G>C (p.Met1067Ile)

Gene: TSC1 (TSC complex subunit 1; minus strand). Cytogenetic location: 9q34.13.
Variant type: single nucleotide variant.
Coding change: c.3201G>C on transcript NM_000368.5 (MANE Select); coding-DNA position 3201, G replaced by C.
Protein change: p.Met1067Ile; replaces methionine 1067 with isoleucine.
Molecular consequence: missense variant. On other transcripts: non-coding transcript variant (5).
Genome position (GRCh38, 1-based): chr9:132,896,529, C>G on the plus strand (G>C on the coding strand, the complement: TSC1 is on the minus strand). VCF-style: chr9-132896529-C-G. GRCh37 (hg19) VCF-style: chr9-135771916-C-G.
Other names: c.3198G>C, p.Met1066Ile (NM_001162426.2, NM_001406597.1, NM_001406598.1 and 2 more transcripts); c.3048G>C, p.Met1016Ile (NM_001162427.2, NM_001406610.1); c.2838G>C, p.Met946Ile (NM_001362177.2, NM_001406614.1, NM_001406615.1 and 4 more transcripts); c.3201G>C, p.Met1067Ile (NM_001406592.1, NM_001406593.1, NM_001406594.1 and 2 more transcripts); c.3186G>C, p.Met1062Ile (NM_001406601.1, NM_001406602.1); c.3183G>C, p.Met1061Ile (NM_001406603.1, NM_001406604.1); c.3159G>C, p.Met1053Ile (NM_001406605.1, NM_001406606.1, NM_001406607.1); c.3156G>C, p.Met1052Ile (NM_001406608.1, NM_001406609.1); and 8 more; short protein forms M1001I, M1015I, M749I, M946I, M1016I, M1052I, M1066I, M716I.
Identifiers: ClinVar variation 3183558 (VCV003183558.2), dbSNP rs2131601885, ClinGen allele CA375367036.